The following is an entry in ClinVar:

NM_015040.4(PIKFYVE):c.5724G>A (p.Thr1908=)

Gene: PIKFYVE (phosphoinositide kinase, FYVE-type zinc finger containing; plus strand). Cytogenetic location: 2q34.
Variant type: single nucleotide variant.
Coding change: c.5724G>A on transcript NM_015040.4 (MANE Select); coding-DNA position 5724, G replaced by A.
Protein change: p.Thr1908=; no amino-acid change (threonine 1908 retained).
Molecular consequence: synonymous variant.
Genome position (GRCh38, 1-based): chr2:208,352,662, G>A. VCF-style: chr2-208352662-G-A. GRCh37 (hg19) VCF-style: chr2-209217386-G-A.
Identifiers: ClinVar variation 3040859 (VCV003040859.2), dbSNP rs148646565, ClinGen allele CA2080725.

ClinVar aggregate classification (germline): Likely benign (0 of 4 stars; one submission).

Conditions:
PIKFYVE-related disorder. Also called: PIKFYVE-related condition.

Allele frequency attached by ClinVar (database versions not stated): gnomAD exomes 0.00003; ExAC 0.00008; gnomAD 0.00024; TOPMed 0.00030; ESP Exome Variant Server 0.00038.
gnomAD v4.1: 81 of 1,613,238 alleles (0.005%); highest among the groups gnomAD compares: African/African-American, 0.097%; no homozygotes.

Submission:

PreventionGenetics, part of Exact Sciences
Classification: Likely benign for PIKFYVE-related condition. Last evaluated: 2019-10-28. Review status: no assertion criteria provided. Collection method: clinical testing. Allele origin: germline.
Comment: This variant is classified as likely benign based on ACMG/AMP sequence variant interpretation guidelines (Richards et al. 2015 PMID: 25741868, with internal and published modifications).